The following is an entry in ClinVar:

NM_020218.1:c.329G>A

Gene: ATXN7L3 (ataxin 7 like 3; minus strand).
Variant type: single nucleotide variant.
Identifiers: ClinVar variation 4644710 (VCV004644710.1).

ClinVar aggregate classification (germline): Uncertain significance (1 of 4 stars; one submission).

Submission:

Ambry Genetics
Classification: Uncertain significance. Last evaluated: 2025-12-14. Review status: criteria provided, single submitter. Criteria: Ambry Variant Classification Scheme 2023. Collection method: clinical testing. Allele origin: germline.
Comment: The c.329G>A (p.R110Q) alteration is located in coding exon 3 of the ATXN7L3 gene. This alteration results from a G to A substitution at nucleotide position 329, causing the arginine (R) at amino acid position 110 to be replaced by a glutamine (Q). This variant was not reported in population-based cohorts in the Genome Aggregation Database (gnomAD). This amino acid position is highly conserved in available vertebrate species. This missense alteration is located in a region that has a low rate of benign missense variation (Lek, 2016; Firth, 2009). The in silico prediction for this alteration is inconclusive. Based on insufficient or conflicting evidence, the clinical significance of this alteration remains unclear.